The following is an entry in ClinVar:

NM_015158.5(KANK1):c.2678C>T (p.Thr893Ile)

Gene: KANK1 (KN motif and ankyrin repeat domains 1; plus strand). Cytogenetic location: 9p24.3.
Variant type: single nucleotide variant.
Coding change: c.2678C>T on transcript NM_015158.5 (MANE Select); coding-DNA position 2678, C replaced by T.
Protein change: p.Thr893Ile; replaces threonine 893 with isoleucine.
Molecular consequence: missense variant. On other transcripts: non-coding transcript variant (1).
Genome position (GRCh38, 1-based): chr9:713,444, C>T. VCF-style: chr9-713444-C-T. GRCh37 (hg19) VCF-style: chr9-713444-C-T.
Other names: c.2678C>T, p.Thr893Ile (NM_001256876.3, NM_001256877.3, NM_001354331.2 and 3 more transcripts); c.2204C>T, p.Thr735Ile (NM_001354333.2, NM_001354335.2, NM_001354336.2 and 10 more transcripts); short protein forms T735I, T893I.
Identifiers: ClinVar variation 4777766 (VCV004777766.1).

ClinVar aggregate classification (germline): Uncertain significance (1 of 4 stars; one submission).

Submission:

Labcorp Genetics (formerly Invitae), Labcorp
Classification: Uncertain significance. Last evaluated: 2025-11-19. Review status: criteria provided, single submitter. Criteria: Invitae Variant Classification Sherloc (09022015). Collection method: clinical testing. Allele origin: germline.
Comment: This sequence change replaces threonine, which is neutral and polar, with isoleucine, which is neutral and non-polar, at codon 893 of the KANK1 protein (p.Thr893Ile). This variant is present in population databases (rs747179448, gnomAD 0.01%). This variant has not been reported in the literature in individuals affected with KANK1-related conditions. Invitae Evidence Modeling of protein sequence and biophysical properties (such as structural, functional, and spatial information, amino acid conservation, physicochemical variation, residue mobility, and thermodynamic stability) indicates that this missense variant is not expected to disrupt KANK1 protein function with a negative predictive value of 80%. In summary, the available evidence is currently insufficient to determine the role of this variant in disease. Therefore, it has been classified as a Variant of Uncertain Significance.